The following is an entry in ClinVar:

NM_006521.6(TFE3):c.350_358del (p.Arg117_Gln119del)

Gene: TFE3 (transcription factor binding to IGHM enhancer 3; minus strand). Cytogenetic location: Xp11.23.
Variant type: Deletion.
Coding change: c.350_358del on transcript NM_006521.6 (MANE Select); coding-DNA positions 350 to 358, 9 bases deleted (GGCAGCAGC; older notation c.350_358delGGCAGCAGC).
Protein change: p.Arg117_Gln119del.
Molecular consequence: inframe deletion.
Genome position (GRCh38, 1-based): chrX:49,039,283-49,039,291, GCTGCTGCC deleted on the plus strand (GGCAGCAGC on the coding strand, the reverse complement: TFE3 is on the minus strand); deleting any 9 consecutive bases within chrX:49,039,283-49,039,293 gives the same sequence; the c. name uses the placement nearest the transcript's 3' end. VCF-style (leftmost placement, unchanged base first): chrX-49039282-AGCTGCTGCC-A. GRCh37 (hg19) VCF-style: chrX-48896807-AGCTGCTGCC-A.
Other names: c.35_43del, p.Arg12_Gln14del (NM_001282142.2).
Identifiers: ClinVar variation 4633007 (VCV004633007.1).

ClinVar aggregate classification (germline): Likely pathogenic (1 of 4 stars; one submission).

Conditions:
Inborn genetic diseases. Identifiers: MedGen C0950123, MeSH D030342.

Submission:

Ambry Genetics
Classification: Likely pathogenic for Inborn genetic diseases. Last evaluated: 2025-10-17. Review status: criteria provided, single submitter. Criteria: Ambry Variant Classification Scheme 2023. Collection method: clinical testing. Allele origin: germline.
Comment: The c.350_358delGGCAGCAGC (p.R117_Q119del) alteration is located in exon 3 (coding exon 3) of the TFE3 gene. This alteration consists of an in-frame deletion of 9 nucleotides between nucleotide positions c.350 and c.358, resulting in the deletion of 3 residues. The impacted region is critical for protein function (Ambry internal data). This variant was not reported in population-based cohorts in the Genome Aggregation Database (gnomAD). These amino acid positions are highly conserved in available vertebrate species. This variant is located in a region of the protein where disruptions have been reported as disease-causing for TFE3-related neurodevelopmental disorder (Diaz, 2020, Villegas, 2019, External communication). This alteration is predicted to be deleterious by in silico analysis (Choi, 2012). Based on the available evidence, this alteration is classified as likely pathogenic.

Literature cited by the submitters: PubMed 30595499; PubMed 31833172.